The following is an entry in ClinVar:

NM_080680.3(COL11A2):c.4338+19C>A

Gene: COL11A2 (collagen type XI alpha 2 chain; minus strand). Cytogenetic location: 6p21.32.
Variant type: single nucleotide variant.
Coding change: c.4338+19C>A on transcript NM_080680.3 (MANE Select); 19 bases into the intron after coding-DNA position 4338, C replaced by A.
Molecular consequence: intron variant.
Genome position (GRCh38, 1-based): chr6:33,166,701, G>T on the plus strand (C>A on the coding strand, the complement: COL11A2 is on the minus strand). VCF-style: chr6-33166701-G-T. GRCh37 (hg19) VCF-style: chr6-33134478-G-T.
Other names: c.4017+19C>A (NM_080679.3); c.4080+19C>A (NM_080681.3).
Identifiers: ClinVar variation 515028 (VCV000515028.1), dbSNP rs1554212804, ClinGen allele CA658796760.

ClinVar aggregate classification (germline): Likely benign (1 of 4 stars; one submission).

Allele frequency attached by ClinVar (database versions not stated): gnomAD exomes below 0.00001.
gnomAD v4.1: 1 of 1,613,476 alleles (0.000062%); highest among the groups gnomAD compares: Non-Finnish European, 0.000085%; no homozygotes.

Submission:

GeneDx
Classification: Likely benign. Last evaluated: 2018-01-31. Review status: criteria provided, single submitter. Criteria: GeneDx Variant Classification (06012015). Collection method: clinical testing. Allele origin: germline. Affected: yes.
Comment: This variant is considered likely benign or benign based on one or more of the following criteria: it is a conservative change, it occurs at a poorly conserved position in the protein, it is predicted to be benign by multiple in silico algorithms, and/or has population frequency not consistent with disease.